The following is an entry in ClinVar:

ClinVar aggregate classification (germline): Pathogenic (1 of 4 stars; one submission).

Submission:

Labcorp Genetics (formerly Invitae), Labcorp
Classification: Pathogenic. Last evaluated: 2022-02-24. Review status: criteria provided, single submitter. Criteria: Invitae Variant Classification Sherloc (09022015). Collection method: clinical testing. Allele origin: germline.
Comment: This sequence change creates a premature translational stop signal (p.Leu296*) in the POC1B gene. It is expected to result in an absent or disrupted protein product. Loss-of-function variants in POC1B are known to be pathogenic (PMID: 25018096, 29220607). This variant is not present in population databases (gnomAD no frequency). For these reasons, this variant has been classified as Pathogenic. This variant has not been reported in the literature in individuals affected with POC1B-related conditions.

Literature cited by the submitters: PubMed 25018096; PubMed 29220607.

NM_172240.3(POC1B):c.887T>G (p.Leu296Ter)

Genes: POC1B (POC1 centriolar protein B; minus strand), POC1B-DUSP6 (POC1B-DUSP6 readthrough; minus strand). Cytogenetic location: 12q21.33.
Variant type: single nucleotide variant.
Coding change: c.887T>G on transcript NM_172240.3 (MANE Select); coding-DNA position 887, T replaced by G.
Protein change: p.Leu296Ter; replaces leucine 296 with a stop codon.
Molecular consequence: nonsense. On other transcripts: non-coding transcript variant (2).
Genome position (GRCh38, 1-based): chr12:89,466,915, A>C on the plus strand (T>G on the coding strand, the complement: POC1B is on the minus strand). VCF-style: chr12-89466915-A-C. GRCh37 (hg19) VCF-style: chr12-89860692-A-C.
Other names: c.761T>G, p.Leu254Ter (NM_001199777.2); short protein forms L296*, L254*.
Identifiers: ClinVar variation 1456760 (VCV001456760.6), dbSNP rs2120831286, ClinGen allele CA385994577.